The following is an entry in ClinVar:

NM_001040108.2(MLH3):c.2156G>A (p.Trp719Ter)

Gene: MLH3 (mutL homolog 3; minus strand). Cytogenetic location: 14q24.3.
Variant type: single nucleotide variant.
Coding change: c.2156G>A on transcript NM_001040108.2 (MANE Select); coding-DNA position 2156, G replaced by A.
Protein change: p.Trp719Ter; replaces tryptophan 719 with a stop codon.
Molecular consequence: nonsense.
Genome position (GRCh38, 1-based): chr14:75,047,500, C>T on the plus strand (G>A on the coding strand, the complement: MLH3 is on the minus strand). VCF-style: chr14-75047500-C-T. GRCh37 (hg19) VCF-style: chr14-75514203-C-T.
Other names: c.2156G>A, p.Trp719Ter (NM_014381.3); short protein forms W719*.
Identifiers: ClinVar variation 2563560 (VCV002563560.3), dbSNP rs554858589, ClinGen allele CA390441432.

ClinVar aggregate classification (germline): Pathogenic (1 of 4 stars; one submission).

Submission:

Ambry Genetics
Classification: Pathogenic. Last evaluated: 2026-06-03. Review status: criteria provided, single submitter. Criteria: Ambry Variant Classification Scheme 2023. Collection method: clinical testing. Allele origin: germline.
Comment: The p.W719* pathogenic mutation (also known as c.2156G>A), located in coding exon 1 of the MLH3 gene, results from a G to A substitution at nucleotide position 2156. This changes the amino acid from a tryptophan to a stop codon within coding exon 1. This variant is considered to be rare based on population cohorts in the Genome Aggregation Database (gnomAD). This alteration is expected to result in loss of function by premature protein truncation or nonsense-mediated mRNA decay. As such, this alteration is interpreted as a disease-causing mutation.